The following is an entry in ClinVar:

NM_006949.4(STXBP2):c.1134G>A (p.Glu378=)

Gene: STXBP2 (syntaxin binding protein 2; plus strand). Cytogenetic location: 19p13.2.
Variant type: single nucleotide variant.
Coding change: c.1134G>A on transcript NM_006949.4 (MANE Select); coding-DNA position 1134, G replaced by A.
Protein change: p.Glu378=; no amino-acid change (glutamic acid 378 retained).
Molecular consequence: synonymous variant. On other transcripts: non-coding transcript variant (1).
Genome position (GRCh38, 1-based): chr19:7,644,640, G>A. VCF-style: chr19-7644640-G-A. GRCh37 (hg19) VCF-style: chr19-7709526-G-A.
Other names: c.1125G>A, p.Glu375= (NM_001127396.3); c.1167G>A, p.Glu389= (NM_001272034.2).
Identifiers: ClinVar variation 330554 (VCV000330554.17), dbSNP rs755758613, ClinGen allele CA9144004.

ClinVar aggregate classification (germline): Conflicting classifications of pathogenicity. Review status: criteria provided, conflicting classifications (1 of 4 stars). 5 submissions from 5 submitters: Uncertain significance (2); Likely benign (3). Last evaluated 2026-09-22.

Conditions:
Autoinflammatory syndrome. Identifiers: Orphanet 93665, MedGen C3890737, MONDO:0019751.
Familial hemophagocytic lymphohistiocytosis 5. Also called: STXBP2-Related Familial Hemophagocytic Lymphohistiocytosis (STXBP2-fHLH). Identifiers: Orphanet 540, MedGen C2751293, MONDO:0013135, OMIM 613101.
STXBP2-related disorder. Also called: STXBP2-related condition.

Allele frequency attached by ClinVar (database versions not stated): TOPMed 0.00005.
gnomAD v4.1: 36 of 1,613,220 alleles (0.0022%); highest among the groups gnomAD compares: Admixed American, 0.015%; no homozygotes.

Submissions (5):

PreventionGenetics, part of Exact Sciences
Classification: Likely benign for STXBP2-related condition. Last evaluated: 2026-09-22. Review status: criteria provided, single submitter. Criteria: ACMG Guidelines, 2015. Collection method: clinical testing. Allele origin: germline.
Comment: This variant is classified as likely benign based on ACMG/AMP sequence variant interpretation guidelines (Richards et al. 2015 PMID: 25741868, with internal and published modifications).

Labcorp Genetics (formerly Invitae), Labcorp
Classification: Likely benign for Familial hemophagocytic lymphohistiocytosis 5. Last evaluated: 2026-02-02. Review status: criteria provided, single submitter. Criteria: Invitae Variant Classification Sherloc (09022015). Collection method: clinical testing. Allele origin: germline.

Blueprint Genetics
Classification: Likely benign. Last evaluated: 2024-11-26. Review status: criteria provided, single submitter. Criteria: ACMG Guidelines, 2015. Collection method: clinical testing. Allele origin: germline.

Genome Diagnostics Laboratory, The Hospital for Sick Children
Classification: Uncertain significance for Autoinflammatory syndrome. Last evaluated: 2020-12-04. Review status: criteria provided, single submitter. Criteria: ACMG Guidelines, 2015. Collection method: clinical testing. Allele origin: germline. Affected: yes.

Illumina Laboratory Services, Illumina
Classification: Uncertain significance for Familial hemophagocytic lymphohistiocytosis 5. Last evaluated: 2018-01-13. Review status: criteria provided, single submitter. Criteria: ICSL Variant Classification Criteria 13 December 2019. Collection method: clinical testing. Allele origin: germline.